The following is an entry in ClinVar:

NM_000233.4(LHCGR):c.34_51del (p.Lys12_Leu17del)

Genes: LHCGR (luteinizing hormone/choriogonadotropin receptor; minus strand), STON1-GTF2A1L (STON1-GTF2A1L readthrough; plus strand). Cytogenetic location: 2p16.3.
Variant type: Deletion.
Coding change: c.34_51del on transcript NM_000233.4 (MANE Select); coding-DNA positions 34 to 51, 18 bases deleted (AAGCTGCTGCTGCTGCTG).
Protein change: p.Lys12_Leu17del.
Molecular consequence: inframe deletion. On other transcripts: intron variant (1).
Genome position (GRCh38, 1-based): chr2:48,755,621-48,755,638, CAGCAGCAGCAGCAGCTT deleted on the plus strand (AAGCTGCTGCTGCTGCTG on the coding strand, the reverse complement: LHCGR is on the minus strand); deleting any 18 consecutive bases within chr2:48,755,621-48,755,645 gives the same sequence; the c. name uses the placement nearest the transcript's 3' end. VCF-style (leftmost placement, unchanged base first): chr2-48755620-GCAGCAGCAGCAGCAGCTT-G. GRCh37 (hg19) VCF-style: chr2-48982759-GCAGCAGCAGCAGCAGCTT-G.
Other names: c.3442-20652_3442-20635del (NM_001198593.2).
Identifiers: ClinVar variation 1384863 (VCV001384863.6), dbSNP rs1259843020, ClinGen allele CA2573134942.

ClinVar aggregate classification (germline): Uncertain significance (1 of 4 stars; one submission).

Submission:

Labcorp Genetics (formerly Invitae), Labcorp
Classification: Uncertain significance. Last evaluated: 2021-10-06. Review status: criteria provided, single submitter. Criteria: Invitae Variant Classification Sherloc (09022015). Collection method: clinical testing. Allele origin: germline.
Comment: In summary, the available evidence is currently insufficient to determine the role of this variant in disease. Therefore, it has been classified as a Variant of Uncertain Significance. Experimental studies and prediction algorithms are not available or were not evaluated, and the functional significance of this variant is currently unknown. This variant has not been reported in the literature in individuals affected with LHCGR-related conditions. The frequency data for this variant in the population databases is considered unreliable, as metrics indicate insufficient coverage at this position in the ExAC database. This variant, c.34_51del, results in the deletion of 6 amino acid(s) of the LHCGR protein (p.Lys12_Leu17del), but otherwise preserves the integrity of the reading frame.